The following is an entry in ClinVar:

NM_007294.4(BRCA1):c.5075-7T>G

Gene: BRCA1 (BRCA1 DNA repair associated; minus strand). Cytogenetic location: 17q21.31.
Variant type: single nucleotide variant.
Coding change: c.5075-7T>G on transcript NM_007294.4 (MANE Select); 7 bases into the intron before coding-DNA position 5075, T replaced by G.
Molecular consequence: intron variant.
Genome position (GRCh38, 1-based): chr17:43,063,958, A>C on the plus strand (T>G on the coding strand, the complement: BRCA1 is on the minus strand). VCF-style: chr17-43063958-A-C. GRCh37 (hg19) VCF-style: chr17-41215975-A-C.
Other names: c.4862-7T>G (NM_001407906.1, NM_001407899.1, NM_001407895.1 and 12 more transcripts); c.4865-7T>G (NM_001407887.1, NM_001407889.1, NM_001407884.1 and 5 more transcripts); c.1757-7T>G (NM_001408408.1, NM_001408407.1, NM_001408406.1); c.5060-7T>G (NM_001407647.1); c.1637-7T>G (NM_001408446.1, NM_001408448.1, NM_001408445.1 and 2 more transcripts); c.1640-7T>G (NM_001408435.1, NM_001408444.1, NM_001408438.1 and 10 more transcripts); c.4943-7T>G (NM_001407691.1, NM_001407690.1); c.4946-7T>G (NM_001407685.1, NM_001407688.1, NM_001407682.1 and 6 more transcripts); and 73 more.
Identifiers: ClinVar variation 867613 (VCV000867613.3), dbSNP rs762729313, ClinGen allele CA916080132.

Conditions:
Breast-ovarian cancer, familial, susceptibility to, 1 (BROVCA1). Also called: BRCA1 Hereditary Breast and Ovarian Cancer; OVARIAN CANCER, SUSCEPTIBILITY TO. Identifiers: Orphanet 145, MedGen C2676676, MONDO:0011450, OMIM 604370. Disease mechanism: loss of function.

Allele frequency attached by ClinVar (database versions not stated): gnomAD exomes below 0.00001.
gnomAD v4.1: 1 of 1,613,574 alleles (0.000062%); highest among the groups gnomAD compares: Non-Finnish European, 0.000085%; no homozygotes.

Submission:

Brotman Baty Institute, University of Washington
No classification provided (evidence only). Condition: Breast-ovarian cancer, familial 1. Review status: no classification provided. Collection method: in vitro. Allele origin: not applicable. Functional consequence: functionally_abnormal.
ClinVar note: "not provided" was previously submitted as the classification for the variant. However, the classification appeared to be based only on an observation of functional data so it was converted to no classification on 2025-07-30.